The following is an entry in ClinVar:

NM_003072.5(SMARCA4):c.979C>A (p.Pro327Thr)

Gene: SMARCA4 (SWI/SNF related BAF chromatin remodeling complex subunit ATPase 4; plus strand). Cytogenetic location: 19p13.2.
Variant type: single nucleotide variant.
Coding change: c.979C>A on transcript NM_003072.5 (MANE Select); coding-DNA position 979, C replaced by A.
Protein change: p.Pro327Thr; replaces proline 327 with threonine.
Molecular consequence: missense variant. On other transcripts: non-coding transcript variant (1).
Genome position (GRCh38, 1-based): chr19:10,987,785, C>A. VCF-style: chr19-10987785-C-A. GRCh37 (hg19) VCF-style: chr19-11098461-C-A.
Other names: c.979C>A, p.Pro327Thr (NM_001128844.3, NM_001128845.2, NM_001128846.2 and 5 more transcripts); short protein forms P327T.
Identifiers: ClinVar variation 238534 (VCV000238534.17), dbSNP rs770946823, ClinGen allele CA9203647.
Genomic context (GRCh38, chr19:10,987,785, plus strand): 5'-CCAACGGGCCGCCCTTCCCCCGCGCCCCCTGCCGTCCCACCCGCCGCCTCGCCCGTGATG[C>A]CACCGCAGACCCAGTCCCCCGGGCAGCCGGCCCAGCCCGCGCCCATGGTGCCACTGCACC-3'
Protein context (NP_003063.2, residues 317-337): AVPPAASPVM[Pro327Thr]PQTQSPGQPA

ClinVar aggregate classification (germline): Conflicting classifications of pathogenicity. Review status: criteria provided, conflicting classifications (1 of 4 stars). 3 submissions from 3 submitters: Uncertain significance (2); Likely benign (1). Last evaluated 2025-07-28.

Conditions:
Hereditary cancer-predisposing syndrome. Also called: Neoplastic Syndromes, Hereditary; Hereditary neoplastic syndrome; Tumor predisposition; Hereditary Cancer Syndrome. Identifiers: Orphanet 140162, MedGen C0027672, MeSH D009386, MONDO:0015356.
Intellectual disability, autosomal dominant 16 (CSS4). Also called: COFFIN-SIRIS SYNDROME 4. Identifiers: Orphanet 1465, MedGen C3553249, MONDO:0013821, OMIM 614609.
Rhabdoid tumor predisposition syndrome 2 (RTPS2). Identifiers: Orphanet 231108, Orphanet 69077, MedGen C2750074, MONDO:0013224, OMIM 613325.

Allele frequency attached by ClinVar (database versions not stated): TOPMed below 0.00001; ExAC 0.00001; gnomAD 0.00001; gnomAD exomes 0.00001.
gnomAD v4.1: 15 of 1,600,088 alleles (0.00094%); highest among the groups gnomAD compares: Middle Eastern, 0.017%; no homozygotes.

Submissions (3):

Labcorp Genetics (formerly Invitae), Labcorp
Classification: Uncertain significance for Rhabdoid tumor predisposition syndrome 2. Last evaluated: 2025-07-28. Review status: criteria provided, single submitter. Criteria: Invitae Variant Classification Sherloc (09022015). Collection method: clinical testing. Allele origin: germline.
Comment: This sequence change replaces proline, which is neutral and non-polar, with threonine, which is neutral and polar, at codon 327 of the SMARCA4 protein (p.Pro327Thr). This variant is present in population databases (rs770946823, gnomAD 0.003%). This variant has not been reported in the literature in individuals affected with SMARCA4-related conditions. ClinVar contains an entry for this variant (Variation ID: 238534). Invitae Evidence Modeling of protein sequence and biophysical properties (such as structural, functional, and spatial information, amino acid conservation, physicochemical variation, residue mobility, and thermodynamic stability) indicates that this missense variant is not expected to disrupt SMARCA4 protein function with a negative predictive value of 95%. In summary, the available evidence is currently insufficient to determine the role of this variant in disease. Therefore, it has been classified as a Variant of Uncertain Significance.

Ambry Genetics
Classification: Likely benign for Hereditary cancer-predisposing syndrome. Last evaluated: 2021-12-10. Review status: criteria provided, single submitter. Criteria: Ambry Variant Classification Scheme 2023. Collection method: clinical testing. Allele origin: germline.

Genome-Nilou Lab
Classification: Uncertain significance for Intellectual disability, autosomal dominant 16. Last evaluated: 2021-07-15. Review status: criteria provided, single submitter. Criteria: ACMG Guidelines, 2015. Collection method: clinical testing. Allele origin: germline. Affected: no.